The following is an entry in ClinVar:

ClinVar aggregate classification (germline): Uncertain significance. Review status: criteria provided, multiple submitters, no conflicts (2 of 4 stars). 2 submissions from 2 submitters: Uncertain significance (2). Last evaluated 2025-09-23.

Conditions:
Inborn genetic diseases. Identifiers: MedGen C0950123, MeSH D030342.

Allele frequency attached by ClinVar (database versions not stated): gnomAD 0.00001; TOPMed 0.00001.
gnomAD v4.1: 1 of 1,614,116 alleles (0.000062%); highest among the groups gnomAD compares: Admixed American, 0.0017%; no homozygotes.

Submissions (2):

Women's Health and Genetics/Laboratory Corporation of America, LabCorp
Classification: Uncertain significance. Last evaluated: 2025-09-23. Review status: criteria provided, single submitter. Criteria: LabCorp Variant Classification Summary - May 2015. Collection method: clinical testing. Allele origin: germline.
Comment: Variant summary: MYBPC1 c.368A>T (p.Lys123Ile) results in a non-conservative amino acid change in the encoded protein sequence. Algorithms developed to predict the effect of missense changes on protein structure and function are either unavailable or do not agree on the potential impact of this missense change. The variant was absent in 251454 control chromosomes (gnomAD). The available data on variant occurrences in the general population are insufficient to allow any conclusion about variant significance. To our knowledge, no occurrence of c.368A>T in individuals affected with MYBPC1-related conditions and no experimental evidence demonstrating its impact on protein function have been reported. ClinVar contains an entry for this variant (Variation ID: 3153811). Based on the evidence outlined above, the variant was classified as uncertain significance.

Ambry Genetics
Classification: Uncertain significance for Inborn genetic diseases. Last evaluated: 2023-12-19. Review status: criteria provided, single submitter. Criteria: Ambry Variant Classification Scheme 2023. Collection method: clinical testing. Allele origin: germline.

NM_002465.4(MYBPC1):c.368A>T (p.Lys123Ile)

Gene: MYBPC1 (myosin binding protein C1; plus strand). Cytogenetic location: 12q23.2.
Variant type: single nucleotide variant.
Coding change: c.368A>T on transcript NM_002465.4 (MANE Select); coding-DNA position 368, A replaced by T.
Protein change: p.Lys123Ile; replaces lysine 123 with isoleucine.
Molecular consequence: missense variant.
Genome position (GRCh38, 1-based): chr12:101,631,649, A>T. VCF-style: chr12-101631649-A-T. GRCh37 (hg19) VCF-style: chr12-102025427-A-T.
Other names: c.293A>T, p.Lys98Ile (NM_001254718.3, NM_001254719.3, NM_001254721.3 and 4 more transcripts); c.257A>T, p.Lys86Ile (NM_001254720.3); c.215A>T, p.Lys72Ile (NM_001254722.3, NM_001404677.1, NM_001404679.1 and 2 more transcripts); c.254A>T, p.Lys85Ile (NM_001254723.3); c.368A>T, p.Lys123Ile (NM_001404675.1, NM_206819.4); short protein forms K123I, K85I, K86I, K72I, K98I.
Identifiers: ClinVar variation 3153811 (VCV003153811.2), dbSNP rs1889919064, ClinGen allele CA386277483.
Genomic context (GRCh38, chr12:101,631,649, plus strand): 5'-TAGCCAAAGTCAAGGCTGAAGATCTTCTGAGAAAACCCACTATCAAATGGTTCAAAGGAA[A>T]ATGGATGGACCTGGCCAGCAAAGCCGGGAAGCACCTTCAGCTGAAGGAAACCTTTGAGAG-3'
Protein context (NP_002456.2, residues 113-133): RKPTIKWFKG[Lys123Ile]WMDLASKAGK